The following is an entry in ClinVar:

NM_005475.3(SH2B3):c.449C>T (p.Ser150Leu)

Gene: SH2B3 (SH2B adaptor protein 3; plus strand). Cytogenetic location: 12q24.12.
Variant type: single nucleotide variant.
Coding change: c.449C>T on transcript NM_005475.3 (MANE Select); coding-DNA position 449, C replaced by T.
Protein change: p.Ser150Leu; replaces serine 150 with leucine.
Molecular consequence: missense variant.
Genome position (GRCh38, 1-based): chr12:111,418,594, C>T. VCF-style: chr12-111418594-C-T. GRCh37 (hg19) VCF-style: chr12-111856398-C-T.
Other names: short protein forms S150L.
Identifiers: ClinVar variation 3440718 (VCV003440718.1).

ClinVar aggregate classification (germline): Uncertain significance (1 of 4 stars; one submission).

Conditions:
Inborn genetic diseases. Identifiers: MedGen C0950123, MeSH D030342.

gnomAD v4.1: 5 of 1,490,904 alleles (0.00034%); highest among the groups gnomAD compares: East Asian, 0.0029%; no homozygotes.

Submission:

Ambry Genetics
Classification: Uncertain significance for Inborn genetic diseases. Last evaluated: 2024-10-05. Review status: criteria provided, single submitter. Criteria: Ambry Variant Classification Scheme 2023. Collection method: clinical testing. Allele origin: germline.
Comment: The p.S150L variant (also known as c.449C>T), located in coding exon 1 of the SH2B3 gene, results from a C to T substitution at nucleotide position 449. The serine at codon 150 is replaced by leucine, an amino acid with dissimilar properties. This amino acid position is conserved. In addition, this alteration is predicted to be tolerated by in silico analysis. Based on the available evidence, the clinical significance of this variant remains unclear.